The following is an entry in ClinVar:

NM_017617.5(NOTCH1):c.2759G>A (p.Gly920Asp)

Gene: NOTCH1 (notch receptor 1; minus strand). Cytogenetic location: 9q34.3.
Variant type: single nucleotide variant.
Coding change: c.2759G>A on transcript NM_017617.5 (MANE Select); coding-DNA position 2759, G replaced by A.
Protein change: p.Gly920Asp; replaces glycine 920 with aspartic acid.
Molecular consequence: missense variant.
Genome position (GRCh38, 1-based): chr9:136,509,943, C>T on the plus strand (G>A on the coding strand, the complement: NOTCH1 is on the minus strand). VCF-style: chr9-136509943-C-T. GRCh37 (hg19) VCF-style: chr9-139404395-C-T.
Other names: c.2759G>A (NM_017617.3); short protein forms G920D.
Identifiers: ClinVar variation 2896778 (VCV002896778.5), dbSNP rs1158774637, ClinGen allele CA375554692.
Genomic context (GRCh38, chr9:136,509,943, plus strand): 5'-GTGCCCCGGAAGCCGGGCAGGCAGTCGCAGAAGGCCGTGTTGATGCCGTCTGTGCAGGAG[C>T]CCCCGTTGTGACACGGGTCTGGGAGAGGACGGAAGGGTGAGTGTGAGGGGCAGGCACAAA-3'
Protein context (NP_060087.3, residues 910-930): DCRPNPCHNG[Gly920Asp]SCTDGINTAF

ClinVar aggregate classification (germline): Uncertain significance. Review status: criteria provided, multiple submitters, no conflicts (2 of 4 stars). 3 submissions from 3 submitters: Uncertain significance (3). Last evaluated 2025-04-02.

Conditions:
Adams-Oliver syndrome 5 (AOS5). Identifiers: Orphanet 974, MedGen C4014970, MONDO:0014459, OMIM 616028.
Familial thoracic aortic aneurysm and aortic dissection (TAAD). Also called: Thoracic aortic aneurysms and dissections. Identifiers: Orphanet 91387, MedGen C4707243, MONDO:0019625.

Allele frequency attached by ClinVar (database versions not stated): gnomAD exomes below 0.00001; TOPMed below 0.00001; gnomAD 0.00001.
gnomAD v4.1: 2 of 1,613,018 alleles (0.00012%); highest among the groups gnomAD compares: Non-Finnish European, 0.00017%; no homozygotes.

Submissions (3):

ARUP Laboratories, Molecular Genetics and Genomics, ARUP Laboratories
Classification: Uncertain significance. Last evaluated: 2025-04-02. Review status: criteria provided, single submitter. Criteria: ARUP Molecular Germline Variant Investigation Process 2024. Collection method: clinical testing. Allele origin: germline.
Comment: The NOTCH1 c.2759G>A; p.Gly920Asp variant (rs1158774637), to our knowledge, is not reported in the medical literature but is reported in ClinVar (Variation ID: 2896778). This variant is only observed on one allele in the Genome Aggregation Database (v2.1.1), indicating it is not a common polymorphism. Computational analyses predict that this variant is deleterious (REVEL: 0.971). However, given the lack of clinical and functional data, the significance of this variant is uncertain at this time.

Ambry Genetics
Classification: Uncertain significance for Familial thoracic aortic aneurysm and aortic dissection. Last evaluated: 2024-09-02. Review status: criteria provided, single submitter. Criteria: Ambry Variant Classification Scheme 2023. Collection method: clinical testing. Allele origin: germline.
Comment: The p.G920D variant (also known as c.2759G>A), located in coding exon 18 of the NOTCH1 gene, results from a G to A substitution at nucleotide position 2759. The glycine at codon 920 is replaced by aspartic acid, an amino acid with similar properties. This amino acid position is conserved. In addition, this alteration is predicted to be deleterious by in silico analysis. Based on the available evidence, the clinical significance of this variant remains unclear.

Labcorp Genetics (formerly Invitae), Labcorp
Classification: Uncertain significance for Adams-Oliver syndrome 5. Last evaluated: 2024-02-20. Review status: criteria provided, single submitter. Criteria: Invitae Variant Classification Sherloc (09022015). Collection method: clinical testing. Allele origin: germline.
Comment: This sequence change replaces glycine, which is neutral and non-polar, with aspartic acid, which is acidic and polar, at codon 920 of the NOTCH1 protein (p.Gly920Asp). This variant is present in population databases (no rsID available, gnomAD 0.007%). This variant has not been reported in the literature in individuals affected with NOTCH1-related conditions. Advanced modeling of protein sequence and biophysical properties (such as structural, functional, and spatial information, amino acid conservation, physicochemical variation, residue mobility, and thermodynamic stability) has been performed at Invitae for this missense variant, however the output from this modeling did not meet the statistical confidence thresholds required to predict the impact of this variant on NOTCH1 protein function. In summary, the available evidence is currently insufficient to determine the role of this variant in disease. Therefore, it has been classified as a Variant of Uncertain Significance.